The following is an entry in ClinVar:

ClinVar aggregate classification (germline): Uncertain significance. Review status: criteria provided, multiple submitters, no conflicts (2 of 4 stars). 3 submissions from 3 submitters: Uncertain significance (3). Last evaluated 2023-06-20.

Conditions:
Epidermolysis bullosa simplex with nail dystrophy (EBS5D). Identifiers: MedGen C4225309, MONDO:0014661, OMIM 616487.
Epidermolysis bullosa simplex, Ogna type (EBS5A). Also called: Pidermolysis bullosa simplex 5A, Ogna type; EPIDERMOLYSIS BULLOSA SIMPLEX 5A, OGNA TYPE. Identifiers: Orphanet 79401, MedGen C0432317, MONDO:0007555, OMIM 131950.
Autosomal recessive limb-girdle muscular dystrophy type 2Q (LGMDR17). Also called: MUSCULAR DYSTROPHY, LIMB-GIRDLE, AUTOSOMAL RECESSIVE 17. Identifiers: Orphanet 254361, MedGen C3150989, MONDO:0013390, OMIM 613723.
Epidermolysis bullosa simplex 5B, with muscular dystrophy (EBS5B). Also called: Epidermolysis bullosa simplex with muscular dystrophy; EPIDERMOLYSIS BULLOSA SIMPLEX AND LIMB-GIRDLE MUSCULAR DYSTROPHY. Identifiers: Orphanet 257, MedGen C2931072, MONDO:0009181, OMIM 226670.
Epidermolysis bullosa simplex 5C, with pyloric atresia (EBS5C). Also called: PLEC-Related Epidermolysis Bullosa with Pyloric Atresia; Epidermolysis bullosa simplex with pyloric atresia; PLEC1-Related Epidermolysis Bullosa with Pyloric Atresia. Identifiers: Orphanet 158684, MedGen C2677349, MONDO:0012807, OMIM 612138.
PLEC-related disorder. Also called: PLEC-related disorders; PLEC-related condition.

Allele frequency attached by ClinVar (database versions not stated): TOPMed 0.00001.

Submissions (3):

Revvity Omics, Revvity
Classification: Uncertain significance. Last evaluated: 2023-06-20. Review status: criteria provided, single submitter. Criteria: ACMG Guidelines, 2015. Collection method: clinical testing. Allele origin: germline.

PreventionGenetics, part of Exact Sciences
Classification: Uncertain significance for PLEC-related condition. Last evaluated: 2023-06-14. Review status: criteria provided, single submitter. Criteria: ACMG Guidelines, 2015. Collection method: clinical testing. Allele origin: germline.
Comment: The PLEC c.29C>T variant is predicted to result in the amino acid substitution p.Ala10Val. To our knowledge, this variant has not been reported in the literature or in a large population database, indicating this variant is rare. At this time, the clinical significance of this variant is uncertain due to the absence of conclusive functional and genetic evidence.

Labcorp Genetics (formerly Invitae), Labcorp
Classification: Uncertain significance for Autosomal recessive limb-girdle muscular dystrophy type 2Q; Epidermolysis bullosa simplex, Ogna type; Epidermolysis bullosa simplex with nail dystrophy; Epidermolysis bullosa simplex 5C, with pyloric atresia; Epidermolysis bullosa simplex 5B, with muscular dystrophy. Last evaluated: 2023-04-24. Review status: criteria provided, single submitter. Criteria: Invitae Variant Classification Sherloc (09022015). Collection method: clinical testing. Allele origin: germline.
Comment: Experimental studies and prediction algorithms are not available or were not evaluated, and the functional significance of this variant is currently unknown. In summary, the available evidence is currently insufficient to determine the role of this variant in disease. Therefore, it has been classified as a Variant of Uncertain Significance. ClinVar contains an entry for this variant (Variation ID: 2128246). This variant has not been reported in the literature in individuals affected with PLEC-related conditions. This variant is not present in population databases (gnomAD no frequency). This sequence change replaces alanine, which is neutral and non-polar, with valine, which is neutral and non-polar, at codon 10 of the PLEC protein (p.Ala10Val).

NM_000445.5(PLEC):c.29C>T (p.Ala10Val)

Gene: PLEC (plectin; minus strand). Cytogenetic location: 8q24.3.
Variant type: single nucleotide variant.
Coding change: c.29C>T on transcript NM_000445.5; coding-DNA position 29, C replaced by T.
Protein change: p.Ala10Val; replaces alanine 10 with valine.
Molecular consequence: missense variant.
Genome position (GRCh38, 1-based): chr8:143,975,341, G>A on the plus strand (C>T on the coding strand, the complement: PLEC is on the minus strand). VCF-style: chr8-143975341-G-A. GRCh37 (hg19) VCF-style: chr8-145049509-G-A.
Other names: c.29C>T, p.Ala10Val (NM_001410941.1); short protein forms A10V.
Identifiers: ClinVar variation 2128246 (VCV002128246.7), dbSNP rs1554745719, ClinGen allele CA372492256.